The following is an entry in ClinVar:

ClinVar aggregate classification (germline): Pathogenic. Review status: reviewed by expert panel (3 of 4 stars). 2 submissions from 2 submitters: Pathogenic (1). 1 of the submissions does not count toward it. Last evaluated 2017-12-15.

Conditions:
Breast-ovarian cancer, familial, susceptibility to, 1 (BROVCA1). Also called: BRCA1 Hereditary Breast and Ovarian Cancer; OVARIAN CANCER, SUSCEPTIBILITY TO. Identifiers: Orphanet 145, MedGen C2676676, MONDO:0011450, OMIM 604370. Disease mechanism: loss of function.

Submissions (2):

Evidence-based Network for the Interpretation of Germline Mutant Alleles (ENIGMA)
Classification: Pathogenic for Breast-ovarian cancer, familial, susceptibility to, 1. Last evaluated: 2017-12-15. Review status: reviewed by expert panel. Criteria: ENIGMA BRCA1/2 Classification Criteria (2017-06-29). Collection method: curation. Allele origin: germline. Study: ENIGMA.
Comment: Variant allele predicted to encode a truncated non-functional protein.

Sharing Clinical Reports Project (SCRP)
Classification: Pathogenic for Breast-ovarian cancer, familial 1. Last evaluated: 2009-03-18. Review status: no assertion criteria provided. Collection method: clinical testing. Allele origin: germline. Not counted in ClinVar's aggregate classification.

NM_007294.4(BRCA1):c.1575dup (p.Gln526fs)

Gene: BRCA1 (BRCA1 DNA repair associated; minus strand). Cytogenetic location: 17q21.31.
Variant type: Duplication.
Coding change: c.1575dup on transcript NM_007294.4 (MANE Select); coding-DNA position 1575, one base duplicated (T; older notation c.1575dupT).
Protein change: p.Gln526fs; shifts the reading frame from glutamine 526.
Molecular consequence: frameshift variant. On other transcripts: intron variant (137).
Genome position (GRCh38, 1-based): chr17:43,093,956, A duplicated on the plus strand (T on the coding strand, the reverse complement: BRCA1 is on the minus strand); the first of 2 consecutive A bases (chr17:43,093,956-43,093,957); duplicating either gives the same sequence. VCF-style (leftmost placement, unchanged base first): chr17-43093955-G-GA. GRCh37 (hg19) VCF-style: chr17-41245972-G-GA.
Other names: 1694INST; c.1365dup, p.Gln456fs (NM_001407886.1, NM_001407887.1, NM_001407889.1 and 13 more transcripts); c.1362dup, p.Gln455fs (NM_001407894.1, NM_001407895.1, NM_001407896.1 and 9 more transcripts); c.1452dup, p.Gln485fs (NM_001407919.1, NM_001407937.1, NM_001407938.1 and 19 more transcripts); c.1311dup, p.Gln438fs (NM_001407920.1, NM_001407921.1, NM_001407922.1 and 9 more transcripts); c.1308dup, p.Gln437fs (NM_001407930.1, NM_001407931.1, NM_001407932.1 and 2 more transcripts); c.1449dup, p.Gln484fs (NM_001407940.1, NM_001407941.1, NM_001407649.1 and 11 more transcripts); c.1434dup, p.Gln479fs (NM_001407942.1, NM_001407944.1, NM_001407945.1 and 29 more transcripts); and 41 more; short protein forms Q479fs, Q526fs, Q230fs, Q398fs, Q399fs, Q414fs, Q415fs, Q456fs.
Identifiers: ClinVar variation 252867 (VCV000252867.3), dbSNP rs879255478, ClinGen allele CA10586097.
Genomic context (GRCh38, chr17:43,093,955, plus strand): 5'-TCACTTGACCATTCTGCTCCGTTTGGTTAGTTCCCTGATTTATCATTTCAGGAGTCTTTT[G>GA]AACTGCCAAATCTGCTTTCTTGATAAAATCCTCAGGATGAAGGCCTGATGTAGGTCTCCT-3'